The following is an entry in ClinVar:

NM_001830.4(CLCN4):c.547A>T (p.Ile183Leu)

Gene: CLCN4 (Cl-/H+ antiporter 4; plus strand). Cytogenetic location: Xp22.2.
Variant type: single nucleotide variant.
Coding change: c.547A>T on transcript NM_001830.4 (MANE Select); coding-DNA position 547, A replaced by T.
Protein change: p.Ile183Leu; replaces isoleucine 183 with leucine.
Molecular consequence: missense variant.
Genome position (GRCh38, 1-based): chrX:10,198,053, A>T. VCF-style: chrX-10198053-A-T. GRCh37 (hg19) VCF-style: chrX-10166093-A-T.
Other names: p.Ile183Leu; c.265A>T, p.Ile89Leu (NM_001256944.2); short protein forms I183L, I89L.
Identifiers: ClinVar variation 872683 (VCV000872683.46), dbSNP rs769632007, ClinGen allele CA10347094.

ClinVar aggregate classification (germline): Conflicting classifications of pathogenicity. Review status: criteria provided, conflicting classifications (1 of 4 stars). 3 submissions from 3 submitters: Uncertain significance (2); Benign (1). Last evaluated 2025-06-12.

Allele frequency attached by ClinVar (database versions not stated): ExAC 0.00001; gnomAD 0.00001; gnomAD exomes 0.00001; TOPMed 0.00001.

Submissions (3):

Mayo Clinic Laboratories, Mayo Clinic
Classification: Uncertain significance. Last evaluated: 2025-06-12. Review status: criteria provided, single submitter. Criteria: ACMG Guidelines, 2015. Collection method: clinical testing. Allele origin: germline. Observed: 1 variant allele.
Comment: PP2, PP3_moderate

Labcorp Genetics (formerly Invitae), Labcorp
Classification: Benign. Last evaluated: 2023-08-30. Review status: criteria provided, single submitter. Criteria: Invitae Variant Classification Sherloc (09022015). Collection method: clinical testing. Allele origin: germline.

CeGaT Center for Human Genetics Tuebingen
Classification: Uncertain significance. Last evaluated: 2019-10-01. Review status: criteria provided, single submitter. Criteria: CeGaT Center For Human Genetics Tuebingen Variant Classification Criteria Version 2. Collection method: clinical testing. Allele origin: germline. Affected: yes. Observed: 1 variant allele.